The following is an entry in ClinVar:

NM_006231.4(POLE):c.1354C>A (p.Pro452Thr)

Gene: POLE (DNA polymerase epsilon, catalytic subunit; minus strand). Cytogenetic location: 12q24.33.
Variant type: single nucleotide variant.
Coding change: c.1354C>A on transcript NM_006231.4 (MANE Select); coding-DNA position 1354, C replaced by A.
Protein change: p.Pro452Thr; replaces proline 452 with threonine.
Molecular consequence: missense variant.
Genome position (GRCh38, 1-based): chr12:132,673,580, G>T on the plus strand (C>A on the coding strand, the complement: POLE is on the minus strand). VCF-style: chr12-132673580-G-T. GRCh37 (hg19) VCF-style: chr12-133250166-G-T.
Other names: short protein forms P452T.
Identifiers: ClinVar variation 473453 (VCV000473453.16), dbSNP rs1555228573, ClinGen allele CA387359079.

ClinVar aggregate classification (germline): Uncertain significance. Review status: criteria provided, multiple submitters, no conflicts (2 of 4 stars). 5 submissions from 5 submitters: Uncertain significance (5). Last evaluated 2026-01-15.

Conditions:
Colorectal cancer, susceptibility to, 12 (CRCS12). Also called: COLORECTAL CANCER, SUSCEPTIBILITY TO, ON CHROMOSOME 12q24. Identifiers: Orphanet 220460, MedGen C3554460, MONDO:0014038, OMIM 615083.
Hereditary cancer-predisposing syndrome. Also called: Neoplastic Syndromes, Hereditary; Tumor predisposition; Hereditary neoplastic syndrome; Hereditary Cancer Syndrome. Identifiers: Orphanet 140162, MedGen C0027672, MeSH D009386, MONDO:0015356.

Allele frequency attached by ClinVar (database versions not stated): TOPMed below 0.00001; gnomAD exomes below 0.00001.
gnomAD v4.1: 3 of 1,612,100 alleles (0.00019%); highest among the groups gnomAD compares: Non-Finnish European, 0.00025%; no homozygotes.

Submissions (5):

Ambry Genetics
Classification: Uncertain significance for Hereditary cancer-predisposing syndrome. Last evaluated: 2026-01-15. Review status: criteria provided, single submitter. Criteria: Ambry Variant Classification Scheme 2023. Collection method: clinical testing. Allele origin: germline.
Comment: The p.P452T variant (also known as c.1354C>A), located in coding exon 13 of the POLE gene, results from a C to A substitution at nucleotide position 1354. The proline at codon 452 is replaced by threonine, an amino acid with highly similar properties. This amino acid position is highly conserved in available vertebrate species. In addition, the in silico prediction for this alteration is inconclusive. Since supporting evidence is limited at this time, the clinical significance of this alteration remains unclear.

Labcorp Genetics (formerly Invitae), Labcorp
Classification: Uncertain significance. Last evaluated: 2025-10-06. Review status: criteria provided, single submitter. Criteria: Invitae Variant Classification Sherloc (09022015). Collection method: clinical testing. Allele origin: germline.
Comment: This sequence change replaces proline, which is neutral and non-polar, with threonine, which is neutral and polar, at codon 452 of the POLE protein (p.Pro452Thr). This variant is not present in population databases (gnomAD no frequency). This variant has not been reported in the literature in individuals affected with POLE-related conditions. ClinVar contains an entry for this variant (Variation ID: 473453). Invitae Evidence Modeling of protein sequence and biophysical properties (such as structural, functional, and spatial information, amino acid conservation, physicochemical variation, residue mobility, and thermodynamic stability) indicates that this missense variant is expected to disrupt POLE protein function with a positive predictive value of 80%. In summary, the available evidence is currently insufficient to determine the role of this variant in disease. Therefore, it has been classified as a Variant of Uncertain Significance.

GeneDx
Classification: Uncertain significance. Last evaluated: 2023-06-13. Review status: criteria provided, single submitter. Criteria: GeneDx Variant Classification Process June 2021. Collection method: clinical testing. Allele origin: germline. Affected: yes.
Comment: Not observed at significant frequency in large population cohorts (gnomAD); In silico analysis supports that this missense variant has a deleterious effect on protein structure/function; Has not been previously published as pathogenic or benign to our knowledge; This variant is associated with the following publications: (PMID: 20951805)

Baylor Genetics
Classification: Uncertain significance for Colorectal cancer, susceptibility to, 12. Last evaluated: 2023-05-11. Review status: criteria provided, single submitter. Criteria: ACMG Guidelines, 2015. Collection method: clinical testing. Allele origin: unknown.

Women's Health and Genetics/Laboratory Corporation of America, LabCorp
Classification: Uncertain significance. Last evaluated: 2018-09-14. Review status: criteria provided, single submitter. Criteria: LabCorp Variant Classification Summary - May 2015. Collection method: clinical testing. Allele origin: germline.
Comment: Variant summary: POLE c.1354C>A (p.Pro452Thr) results in a non-conservative amino acid change in the encoded protein sequence. Four of five in-silico tools predict a damaging effect of the variant on protein function. The variant was absent in 243954 control chromosomes (gnomAD). The available data on variant occurrences in the general population are insufficient to allow any conclusion about variant significance. To our knowledge, no occurrence of c.1354C>A in individuals affected with Colorectal Cancer and no experimental evidence demonstrating its impact on protein function have been reported. A ClinVar submission from a clinical diagnostic laboratory (evaluation after 2014) cites the variant as uncertain significance. Based on the evidence outlined above, the variant was classified as uncertain significance.